The following is an entry in ClinVar:

ClinVar aggregate classification (germline): Uncertain significance (1 of 4 stars; one submission).

Submission:

Labcorp Genetics (formerly Invitae), Labcorp
Classification: Uncertain significance. Last evaluated: 2024-12-02. Review status: criteria provided, single submitter. Criteria: Invitae Variant Classification Sherloc (09022015). Collection method: clinical testing. Allele origin: germline.
Comment: This sequence change replaces glycine, which is neutral and non-polar, with aspartic acid, which is acidic and polar, at codon 598 of the REPS1 protein (p.Gly598Asp). This variant is not present in population databases (gnomAD no frequency). This variant has not been reported in the literature in individuals affected with REPS1-related conditions. Invitae Evidence Modeling of protein sequence and biophysical properties (such as structural, functional, and spatial information, amino acid conservation, physicochemical variation, residue mobility, and thermodynamic stability) indicates that this missense variant is not expected to disrupt REPS1 protein function with a negative predictive value of 80%. In summary, the available evidence is currently insufficient to determine the role of this variant in disease. Therefore, it has been classified as a Variant of Uncertain Significance.

NM_001286611.2(REPS1):c.1793G>A (p.Gly598Asp)

Gene: REPS1 (RALBP1 associated Eps domain containing 1; minus strand). Cytogenetic location: 6q24.1.
Variant type: single nucleotide variant.
Coding change: c.1793G>A on transcript NM_001286611.2 (MANE Select); coding-DNA position 1793, G replaced by A.
Protein change: p.Gly598Asp; replaces glycine 598 with aspartic acid.
Molecular consequence: missense variant.
Genome position (GRCh38, 1-based): chr6:138,912,943, C>T on the plus strand (G>A on the coding strand, the complement: REPS1 is on the minus strand). VCF-style: chr6-138912943-C-T. GRCh37 (hg19) VCF-style: chr6-139234080-C-T.
Other names: c.1712G>A, p.Gly571Asp (NM_001128617.3); c.1520G>A, p.Gly507Asp (NM_001286612.2); c.1790G>A, p.Gly597Asp (NM_031922.5); short protein forms G597D, G507D, G598D, G571D.
Identifiers: ClinVar variation 3672692 (VCV003672692.2).